The following is an entry in ClinVar:

NM_001375567.1(FOCAD):c.1350G>A (p.Ala450=)

Gene: FOCAD (focadhesin; plus strand). Cytogenetic location: 9p21.3.
Variant type: single nucleotide variant.
Coding change: c.1350G>A on transcript NM_001375567.1 (MANE Select); coding-DNA position 1350, G replaced by A.
Protein change: p.Ala450=; no amino-acid change (alanine 450 retained).
Molecular consequence: synonymous variant.
Genome position (GRCh38, 1-based): chr9:20,789,503, G>A. VCF-style: chr9-20789503-G-A. GRCh37 (hg19) VCF-style: chr9-20789502-G-A.
Other names: c.1350G>A, p.Ala450= (NM_001375568.1, NM_017794.5); c.1245G>A, p.Ala415= (NM_001375570.1); c.1350G>A (NM_017794.4).
Identifiers: ClinVar variation 2756046 (VCV002756046.9), dbSNP rs150412472, ClinGen allele CA5006683.

ClinVar aggregate classification (germline): Likely benign. Review status: criteria provided, multiple submitters, no conflicts (2 of 4 stars). 3 submissions from 3 submitters: Likely benign (2). 1 of the submissions does not count toward it. Last evaluated 2026-01-20.

Conditions:
FOCAD-related disorder. Also called: FOCAD-related condition.

Allele frequency attached by ClinVar (database versions not stated): 1000 Genomes Project 30x 0.00031; 1000 Genomes Project 0.00040; ExAC 0.00043; ESP Exome Variant Server 0.00054.
gnomAD v4.1: 911 of 1,613,828 alleles (0.056%); highest among the groups gnomAD compares: Admixed American, 0.13%; 1 homozygote.

Submissions (3):

Labcorp Genetics (formerly Invitae), Labcorp
Classification: Likely benign. Last evaluated: 2026-01-20. Review status: criteria provided, single submitter. Criteria: Invitae Variant Classification Sherloc (09022015). Collection method: clinical testing. Allele origin: germline.

CeGaT Center for Human Genetics Tuebingen
Classification: Likely benign. Last evaluated: 2026-01-01. Review status: criteria provided, single submitter. Criteria: CeGaT Center For Human Genetics Tuebingen Variant Classification Criteria Version 2. Collection method: clinical testing. Allele origin: germline. Affected: yes. Observed: 1 variant allele.
Comment: FOCAD: BP4, BP7

PreventionGenetics, part of Exact Sciences
Classification: Likely benign for FOCAD-related condition. Last evaluated: 2019-03-23. Review status: no assertion criteria provided. Collection method: clinical testing. Allele origin: germline. Not counted in ClinVar's aggregate classification.
Comment: This variant is classified as likely benign based on ACMG/AMP sequence variant interpretation guidelines (Richards et al. 2015 PMID: 25741868, with internal and published modifications).